The following is an entry in ClinVar:

NM_002458.3(MUC5B):c.7626C>T (p.Ser2542=)

Genes: MUC5B (mucin 5B, oligomeric mucus/gel-forming; plus strand), MUC5B-AS1 (MUC5B antisense RNA 1; minus strand). Cytogenetic location: 11p15.5.
Variant type: single nucleotide variant.
Coding change: c.7626C>T on transcript NM_002458.3 (MANE Select); coding-DNA position 7626, C replaced by T.
Protein change: p.Ser2542=; no amino-acid change (serine 2542 retained).
Molecular consequence: synonymous variant.
Genome position (GRCh38, 1-based): chr11:1,244,506, C>T. VCF-style: chr11-1244506-C-T. GRCh37 (hg19) VCF-style: chr11-1265736-C-T.
Identifiers: ClinVar variation 2641231 (VCV002641231.24), dbSNP rs746313210, ClinGen allele CA5806365.
Genomic context (GRCh38, chr11:1,244,506, plus strand): 5'-TCCAGCACTGAGAAGCACAGCCACCACACCCACAGCTACCAGCTTTACAGCCATCCCCTC[C>T]TCCTCCCTGGGCACCACCTGGACCCGCCTATCACAGACCACCACACCCACGGCCACCATG-3'
Protein context (NP_002449.2, residues 2532-2552): PTATSFTAIP[Ser2542=]SSLGTTWTRL

ClinVar aggregate classification (germline): Likely benign (1 of 4 stars; one submission).

Allele frequency attached by ClinVar (database versions not stated): ExAC 0.00403.

Submission:

CeGaT Center for Human Genetics Tuebingen
Classification: Likely benign. Last evaluated: 2026-06-01. Review status: criteria provided, single submitter. Criteria: CeGaT Center For Human Genetics Tuebingen Variant Classification Criteria Version 2. Collection method: clinical testing. Allele origin: germline. Affected: yes. Observed: 27 variant alleles.
Comment: MUC5B: BP4, BP7